The following is an entry in ClinVar:

ClinVar aggregate classification (germline): Uncertain significance (1 of 4 stars; one submission).

Conditions:
Walker-Warburg congenital muscular dystrophy. Also called: Muscular dystrophy-dystroglycanopathy, type A; Walker-Warburg syndrome. Identifiers: Orphanet 899, MedGen C0265221, MONDO:0000171.

Allele frequency attached by ClinVar (database versions not stated): gnomAD exomes 0.00001.
gnomAD v4.1: 9 of 1,612,630 alleles (0.00056%); highest among the groups gnomAD compares: Non-Finnish European, 0.00076%; no homozygotes.

Submission:

Labcorp Genetics (formerly Invitae), Labcorp
Classification: Uncertain significance for Walker-Warburg congenital muscular dystrophy. Last evaluated: 2020-12-26. Review status: criteria provided, single submitter. Criteria: Invitae Variant Classification Sherloc (09022015). Collection method: clinical testing. Allele origin: germline.
Comment: This variant has not been reported in the literature in individuals with FKRP-related conditions. This variant is present in population databases (rs775201067, ExAC 0.004%). This sequence change replaces glycine with arginine at codon 391 of the FKRP protein (p.Gly391Arg). The glycine residue is highly conserved and there is a moderate physicochemical difference between glycine and arginine. In summary, the available evidence is currently insufficient to determine the role of this variant in disease. Therefore, it has been classified as a Variant of Uncertain Significance. Algorithms developed to predict the effect of missense changes on protein structure and function are either unavailable or do not agree on the potential impact of this missense change (SIFT: "Deleterious"; PolyPhen-2: "Probably Damaging"; Align-GVGD: "Class C15").

NM_024301.5(FKRP):c.1171G>C (p.Gly391Arg)

Gene: FKRP (fukutin related protein; plus strand). Cytogenetic location: 19q13.32.
Variant type: single nucleotide variant.
Coding change: c.1171G>C on transcript NM_024301.5 (MANE Select); coding-DNA position 1171, G replaced by C.
Protein change: p.Gly391Arg; replaces glycine 391 with arginine.
Molecular consequence: missense variant.
Genome position (GRCh38, 1-based): chr19:46,756,621, G>C. VCF-style: chr19-46756621-G-C. GRCh37 (hg19) VCF-style: chr19-47259878-G-C.
Other names: c.1171G>C, p.Gly391Arg (NM_001039885.3); short protein forms G391R.
Identifiers: ClinVar variation 1397798 (VCV001397798.8), dbSNP rs775201067, ClinGen allele CA9532265.
Genomic context (GRCh38, chr19:46,756,621, plus strand): 5'-GACGTGGGCAACTGCGAGCAGCTGCGGGGGGCAGAGGCCGGCTCGGTGGTGGATGAGCGC[G>C]GCTTCGTATGGGAGAAGGCGGTCGAGGGCGACTTTTTCCGCGTGCAGTACAGCGAAAGCA-3'
Protein context (NP_077277.1, residues 381-401): AEAGSVVDER[Gly391Arg]FVWEKAVEGD